The following is an entry in ClinVar:

ClinVar aggregate classification (germline): Conflicting classifications of pathogenicity. Review status: criteria provided, conflicting classifications (1 of 4 stars). 2 submissions from 2 submitters: Uncertain significance (1); Likely benign (1). Last evaluated 2023-03-23.

Conditions:
Hereditary cancer-predisposing syndrome. Also called: Hereditary Cancer Syndrome; Neoplastic Syndromes, Hereditary; Tumor predisposition; Hereditary neoplastic syndrome. Identifiers: Orphanet 140162, MedGen C0027672, MeSH D009386, MONDO:0015356.

Submissions (2):

University of Washington Department of Laboratory Medicine, University of Washington
Classification: Likely benign for Hereditary cancer-predisposing syndrome. Last evaluated: 2023-03-23. Review status: criteria provided, single submitter. Criteria: Dines et al. (Genet Med. 2020). Collection method: curation. Allele origin: germline.
Comment: Missense variant in a coldspot region where missense variants are very unlikely to be pathogenic (PMID:31911673).

BRCA1 coldspot (exon 11 using historical exon numbering). Reclassification based on statistical prior probability

Ambry Genetics
Classification: Uncertain significance for Hereditary cancer-predisposing syndrome. Last evaluated: 2016-12-21. Review status: criteria provided, single submitter. Criteria: Ambry Variant Classification Scheme 2023. Collection method: clinical testing. Allele origin: germline.
Comment: The p.L1260V variant (also known as c.3778T>G), located in coding exon 9 of the BRCA1 gene, results from a T to G substitution at nucleotide position 3778. The leucine at codon 1260 is replaced by valine, an amino acid with highly similar properties. This amino acid position is not well conserved in available vertebrate species. In addition, the in silico prediction for this alteration is inconclusive. Since supporting evidence is limited at this time, the clinical significance of this alteration remains unclear.

NM_007294.4(BRCA1):c.3778T>G (p.Leu1260Val)

Genes: BRCA1 (BRCA1 DNA repair associated; minus strand), LOC126862571 (BRD4-independent group 4 enhancer GRCh37_chr17:41243136-41244335; plus strand). Cytogenetic location: 17q21.31.
Variant type: single nucleotide variant.
Coding change: c.3778T>G on transcript NM_007294.4 (MANE Select); coding-DNA position 3778, T replaced by G.
Protein change: p.Leu1260Val; replaces leucine 1260 with valine.
Molecular consequence: missense variant. On other transcripts: intron variant (135).
Genome position (GRCh38, 1-based): chr17:43,091,753, A>C on the plus strand (T>G on the coding strand, the complement: BRCA1 is on the minus strand). VCF-style: chr17-43091753-A-C. GRCh37 (hg19) VCF-style: chr17-41243770-A-C.
Other names: c.3514T>G, p.Leu1172Val (NM_001407926.1, NM_001407927.1, NM_001407928.1 and 9 more transcripts); c.3511T>G, p.Leu1171Val (NM_001407930.1, NM_001407931.1, NM_001407932.1 and 2 more transcripts); c.3655T>G, p.Leu1219Val (NM_001407937.1, NM_001407938.1, NM_001407939.1 and 19 more transcripts); c.3652T>G, p.Leu1218Val (NM_001407940.1, NM_001407941.1, NM_001407649.1 and 11 more transcripts); c.3637T>G, p.Leu1213Val (NM_001407942.1, NM_001407944.1, NM_001407945.1 and 29 more transcripts); c.3634T>G, p.Leu1212Val (NM_001407943.1, NM_001407964.1, NM_001407740.1 and 20 more transcripts); c.3445T>G, p.Leu1149Val (NM_001407946.1, NM_001407947.1, NM_001407948.1 and 6 more transcripts); c.3442T>G, p.Leu1148Val (NM_001407954.1, NM_001407955.1, NM_001407956.1 and 1 more transcripts); and 41 more; short protein forms L1260V, L1213V, L1092V, L1132V, L1171V, L1193V, L1148V, L1172V.
Identifiers: ClinVar variation 481470 (VCV000481470.8), dbSNP rs1555587079, ClinGen allele CA10594413.